The following is an entry in ClinVar:

NC_000007.13:g.(117171169_117174329)_(117227888_117230406)dup

Gene: CFTR (CF transmembrane conductance regulator; plus strand). Cytogenetic location: 7q31.2.
Variant type: Duplication.
Identifiers: ClinVar variation 3895728 (VCV003895728.1).

ClinVar aggregate classification (germline): Pathogenic (1 of 4 stars; one submission).

Conditions:
Cystic fibrosis (CF). Also called: MUCOVISCIDOSIS. Identifiers: Orphanet 586, MedGen C0010674, MONDO:0009061, OMIM 219700. Disease mechanism: loss of function.

Submission:

Women's Health and Genetics/Laboratory Corporation of America, LabCorp
Classification: Pathogenic for Cystic fibrosis. Last evaluated: 2025-03-11. Review status: criteria provided, single submitter. Criteria: LabCorp Variant Classification Summary - May 2015. Collection method: clinical testing. Allele origin: germline.
Comment: Variant summary: The variant involves the duplication of exons 5-12 in the CFTR gene. A presumed nomenclature of c.(489+1_490-1)_(1679+1_1680-1)dup has been designated for the purposes of this classification. It is assumed to be a tandem duplication in direct orientation (PMIDs: 25640679, 30054569). This Copy Number Variant (CNV) is expected to alter the reading frame and predicted to result in a truncation or absence of the encoded protein due to nonsense mediated decay (NMD). The variant was absent in 21694 control chromosomes. To our knowledge, no occurrence of c.(489+1_490-1)_(1679+1_1680-1)dup in individuals affected with Cystic Fibrosis and no experimental evidence demonstrating its impact on protein function have been reported. No submitters have cited clinical-significance assessments for this variant to ClinVar. Based on the evidence outlined above, the variant was classified as pathogenic.